The following is an entry in ClinVar:

NM_005664.4(MKRN3):c.900G>A (p.Ser300=)

Gene: MKRN3 (makorin ring finger protein 3; plus strand). Cytogenetic location: 15q11.2.
Variant type: single nucleotide variant.
Coding change: c.900G>A on transcript NM_005664.4 (MANE Select); coding-DNA position 900, G replaced by A.
Protein change: p.Ser300=; no amino-acid change (serine 300 retained).
Molecular consequence: synonymous variant.
Genome position (GRCh38, 1-based): chr15:23,566,682, G>A. VCF-style: chr15-23566682-G-A. GRCh37 (hg19) VCF-style: chr15-23811829-G-A.
Identifiers: ClinVar variation 2644974 (VCV002644974.24), dbSNP rs749206798, ClinGen allele CA489239563.

ClinVar aggregate classification (germline): Likely benign (1 of 4 stars; one submission).

Submission:

CeGaT Center for Human Genetics Tuebingen
Classification: Likely benign. Last evaluated: 2022-04-01. Review status: criteria provided, single submitter. Criteria: CeGaT Center For Human Genetics Tuebingen Variant Classification Criteria Version 2. Collection method: clinical testing. Allele origin: germline. Affected: yes. Observed: 1 variant allele.
Comment: MKRN3: PM2:Supporting, BP4, BP7